The following is an entry in ClinVar:

NM_001029883.3(PCARE):c.*2481G>A

Gene: PCARE (photoreceptor cilium actin regulator; minus strand). Cytogenetic location: 2p23.2.
Variant type: single nucleotide variant.
Coding change: c.*2481G>A on transcript NM_001029883.3 (MANE Select); 2481 bases downstream of the stop codon, G replaced by A.
Molecular consequence: 3 prime UTR variant.
Genome position (GRCh38, 1-based): chr2:29,062,388, C>T on the plus strand (G>A on the coding strand, the complement: PCARE is on the minus strand). VCF-style: chr2-29062388-C-T. GRCh37 (hg19) VCF-style: chr2-29285254-C-T.
Identifiers: ClinVar variation 335584 (VCV000335584.6), dbSNP rs17692899, ClinGen allele CA10614929.

ClinVar aggregate classification (germline): Benign. Review status: criteria provided, multiple submitters, no conflicts (2 of 4 stars). 2 submissions from 2 submitters: Benign (2). Last evaluated 2018-01-13.

Conditions:
Retinitis pigmentosa (RP). Identifiers: Orphanet 791, MedGen C0035334, MeSH D012174, MONDO:0019200, OMIM 268000. Inheritance: Autosomal dominant, autosomal recessive and X linked inheritance.

Allele frequency attached by ClinVar (database versions not stated): 1000 Genomes Project 0.06929; TOPMed 0.12929; gnomAD 0.13226 and 0.13366; gnomAD exomes 0.20755.

Submissions (2):

Illumina Laboratory Services, Illumina
Classification: Benign for Retinitis pigmentosa. Last evaluated: 2018-01-13. Review status: criteria provided, single submitter. Criteria: ICSL Variant Classification Criteria 13 December 2019. Collection method: clinical testing. Allele origin: germline.
Comment: This variant was observed in the ICSL laboratory as part of a predisposition screen in an ostensibly healthy population. It had not been previously curated by ICSL or reported in the Human Gene Mutation Database (HGMD: prior to June 1st, 2018), and was therefore a candidate for classification through an automated scoring system. Utilizing variant allele frequency, disease prevalence and penetrance estimates, and inheritance mode, an automated score was calculated to assess if this variant is too frequent to cause the disease. Based on the score and internal cut-off values, a variant classified as benign is not then subjected to further curation. The score for this variant resulted in a classification of benign for this disease.

Breakthrough Genomics
Classification: Benign. Review status: criteria provided, single submitter. Criteria: ACMG Guidelines, 2015. Collection method: not provided. Allele origin: germline. Inheritance: Unknown mechanism. Affected: yes.